The following is an entry in ClinVar:

NM_006218.4(PIK3CA):c.1637A>C (p.Gln546Pro)

Gene: PIK3CA (phosphatidylinositol-4,5-bisphosphate 3-kinase catalytic subunit alpha; plus strand). Cytogenetic location: 3q26.32.
Variant type: single nucleotide variant.
Coding change: c.1637A>C on transcript NM_006218.4 (MANE Select); coding-DNA position 1637, A replaced by C.
Protein change: p.Gln546Pro; replaces glutamine 546 with proline.
Molecular consequence: missense variant.
Genome position (GRCh38, 1-based): chr3:179,218,307, A>C. VCF-style: chr3-179218307-A-C. GRCh37 (hg19) VCF-style: chr3-178936095-A-C.
Other names: short protein forms Q546P.
Identifiers: ClinVar variation 375898 (VCV000375898.7), dbSNP rs397517201, ClinGen allele CA16602381.

ClinVar aggregate classification (germline): Pathogenic/Likely pathogenic. Review status: criteria provided, multiple submitters, no conflicts (2 of 4 stars). 3 submissions from 3 submitters: Pathogenic (1); Likely pathogenic (1). 1 of the submissions does not count toward it. Last evaluated 2025-07-18.
ClinVar aggregate classification (somatic clinical impact): Tier I - Strong (1 of 4 stars; one submission).
ClinVar aggregate classification (oncogenicity): Oncogenic (1 of 4 stars; one submission).

Conditions:
PIK3CA related overgrowth syndrome. Also called: PIK3CA-Related Segmental Overgrowth; PIK3CA related overgrowth spectrum. Identifiers: Orphanet 530313, MedGen C4728213, MONDO:1040002.
Ovarian neoplasm. Also called: Neoplasm of ovary; Ovarian tumor; Ovarian Neoplasms. Identifiers: MedGen C0919267, MeSH D010051, MONDO:0021068, HP:0100615.
Diffuse pediatric-type high-grade glioma, H3-wildtype and IDH-wildtype. Identifiers: MedGen C5669918, MONDO:0858939.
Neoplasm. Also called: Neoplasms; Neoplasm (disease); tumor. Identifiers: MedGen C0027651, MeSH D009369, MONDO:0005070, HP:0002664.

Submissions (5):

Clinical Genomics Laboratory, Washington University in St. Louis
Classification: Likely pathogenic for PIK3CA-related overgrowth syndrome. Last evaluated: 2025-07-18. Review status: criteria provided, single submitter. Criteria: Leon-Quintero et al. (Clin Genet. 2025). Collection method: clinical testing. Allele origin: somatic. Affected: yes.
Comment: A PIK3CA c.1637A>C (p.Gln546Pro) variant was identified at an allelic fraction consistent with somatic origin. This variant, to our knowledge, has not been reported in the medical literature in individuals with PIK3CA-Related overgrowth spectrum but it has been reported in several types of cancer (COSMIC ID: COSV55876869). This variant has been reported in the ClinVar database as a pathogenic somatic variant by a single submitter (ClinVar ID: 375898). The PIK3CA c.1637A>C (p.Gln546Pro) variant is absent from the general population (gnomAD v4.1.0), indicating it is not a common variant. Computational predictors indicate that this variant is damaging, evidence that correlates with impact on PIK3CA function. In support of this prediction, functional studies using cell lines harboring the PIK3CA c.1637A>C (p.Gln546Pro) variant have shown constitutive PI3K activity and hypersensitivity to apoptosis induced by the PI3K inhibitor (Dogruluk T et al., PMID: 26627007; Gymnopoulos M et al., PMID: 17376864; Wang J et al., PMID: 17363507). The PIK3CA gene is defined by the ClinGen Brain Malformations Variant Curation Expert Panel as a gene that has a low rate of benign missense variation and where pathogenic missense variants are a common mechanism of disease (Lai A et al., PMID: 35997716). Other variants in the same codon, c.1637A>G (Gln546Arg), c.1636C>G (p.Gln546Glu), c.1637A>T (p.Gln546Leu) and c.1636C>A (p.Gln546Lys), have been reported in individuals with PROS disorders and cancer and are considered likely pathogenic/ pathogenic (Mojarad BA et al., PMID: 39669231; Kozaki K et al., PMID: 17052259; Campbell IG et al., PMID: 15520168; ClinVar Variation ID: 45466, 13654, 3774497, 13657). A large number of PI3K/AKT pathway inhibitors are currently under clinical study, in both PROS disorders and cancer (Jin N et al., PMID: 34779417; Venot Q et al., PMID: 29899452; Parker VER et al., PMID: 30270358). Based on available information and an internally developed protocol informed by the ACMG/AMP guidelines for variant interpretation and gene-specific practices from the ClinGen Criteria Specification Registry (Leon-Quintero FZ et al., PMID: 39434542), the PIK3CA c.1637A>C (p.Gln546Pro) variant is classified as likely pathogenic.

Institute for Genomic Medicine (IGM) Clinical Laboratory, Nationwide Children's Hospital
Classification: Tier I - Strong for Diffuse pediatric-type high-grade glioma, H3-wildtype and IDH-wildtype. Assertion type: diagnostic. Clinical significance: supports diagnosis. Last evaluated: 2025-05-13. Review status: criteria provided, single submitter. Criteria: AMP/ASCO/CAP Guidelines, 2017. Collection method: clinical testing. Allele origin: somatic. Affected: yes.
Comment: Variant has Tier I (strong) clinical significance as a diagnostic inclusion criterion in diffuse pediatric-type high-grade glioma, H3-wildtype and IDH-wildtype, based on the following evidence: 1) Documented in one or more cancer databases (e.g., St. Jude Pecan, COSMIC, CIViC, OncoKB). 2) Appears in one or more well-established professional guidelines (e.g., World Health Organization [WHO]; National Comprehensive Cancer Network [NCCN]) as providing diagnostic, prognostic, or therapeutic information. 3) Information in the literature supports potential biologic effect of variant (PMIDs: 17376864, 26627007, 29533785). 4) Diagnostic for a specific tumor type/classification based on well-powered studies with expert-level consensus (Evidence Level B; PMIDs: 28966033, 24705251, 29763623, 28912153, 35332262).

Center for Genomic Medicine, Rigshospitalet, Copenhagen University Hospital
Classification: Oncogenic for Neoplasm. Last evaluated: 2025-03-04. Review status: criteria provided, single submitter. Criteria: ClinGen/CGC/VICC Guidelines for Oncogenicity, 2022. Collection method: clinical testing. Allele origin: somatic. Affected: yes.

Seattle Children's Hospital Molecular Genetics Laboratory, Seattle Children's Hospital
Classification: Pathogenic for PIK3CA-related overgrowth syndrome. Review status: criteria provided, single submitter. Criteria: ACMG Guidelines, 2015. Collection method: clinical testing. Allele origin: somatic. Affected: yes.
Comment: Variants occurring at p.Gln546 have previously been reported in multiple unrelated individuals with PIK3CA-related segmental overgrowth spectrum disorder and individuals with cancer (PMID: 25681199, PMID: 29985963, PMID: 37624421, COSV55875400). The p.Gln546Pro variant substitutes the glutamine at position 546 with proline within the PIK helical domain of the PIK3CA protein (UniProt P42336). This and other variants at p.Gln546 have been shown to be activating variants that result in ligand-independent activation of the PI3K-AKT-mTOR pathway and increased proliferation in vitro (PMID: 17376864, PMID: 26627007).

German Consortium for Hereditary Breast and Ovarian Cancer, University Hospital Cologne
Classification: Likely pathogenic for Ovarian neoplasm. Last evaluated: 2018-12-01. Review status: no assertion criteria provided. Collection method: research. Allele origin: somatic. Affected: yes. Not counted in ClinVar's aggregate classification.

Literature cited by the submitters: PubMed 17376864 (cited by Institute for Genomic Medicine (IGM) Clinical Laboratory, Nationwide Children's Hospital and Center for Genomic Medicine, Rigshospitalet, Copenhagen University Hospital); PubMed 26627007 (cited by Institute for Genomic Medicine (IGM) Clinical Laboratory, Nationwide Children's Hospital); PubMed 29533785 (cited by Institute for Genomic Medicine (IGM) Clinical Laboratory, Nationwide Children's Hospital and Center for Genomic Medicine, Rigshospitalet, Copenhagen University Hospital); PubMed 28966033 (cited by Institute for Genomic Medicine (IGM) Clinical Laboratory, Nationwide Children's Hospital); PubMed 24705251 (cited by Institute for Genomic Medicine (IGM) Clinical Laboratory, Nationwide Children's Hospital); PubMed 29763623 (cited by Institute for Genomic Medicine (IGM) Clinical Laboratory, Nationwide Children's Hospital); PubMed 28912153 (cited by Institute for Genomic Medicine (IGM) Clinical Laboratory, Nationwide Children's Hospital); PubMed 35332262 (cited by Institute for Genomic Medicine (IGM) Clinical Laboratory, Nationwide Children's Hospital).